The following is an entry in ClinVar:

ClinVar aggregate classification (germline): Uncertain significance. Review status: criteria provided, multiple submitters, no conflicts (2 of 4 stars). 3 submissions from 3 submitters: Uncertain significance (2). 1 of the submissions does not count toward it. Last evaluated 2024-06-09.

Conditions:
GABRB3-related disorder. Also called: GABRB3-related condition.
Epilepsy, childhood absence, susceptibility to, 5. Identifiers: Orphanet 64280, MedGen C2677087, MONDO:0012843, OMIM 612269.
Epilepsy, childhood absence, susceptibility to, 1. Also called: Epilepsy, childhood absence 1. Identifiers: Orphanet 64280, MedGen C1838604, MONDO:0020759, OMIM 600131.

Submissions (3):

Labcorp Genetics (formerly Invitae), Labcorp
Classification: Uncertain significance for Epilepsy, childhood absence, susceptibility to, 5; Epilepsy, childhood absence, susceptibility to, 1. Last evaluated: 2024-06-09. Review status: criteria provided, single submitter. Criteria: Invitae Variant Classification Sherloc (09022015). Collection method: clinical testing. Allele origin: germline.
Comment: This sequence change replaces glycine, which is neutral and non-polar, with arginine, which is basic and polar, at codon 57 of the GABRB3 protein (p.Gly57Arg). This variant is not present in population databases (gnomAD no frequency). This variant has not been reported in the literature in individuals affected with GABRB3-related conditions. ClinVar contains an entry for this variant (Variation ID: 872114). Advanced modeling of protein sequence and biophysical properties (such as structural, functional, and spatial information, amino acid conservation, physicochemical variation, residue mobility, and thermodynamic stability) performed at Invitae indicates that this missense variant is expected to disrupt GABRB3 protein function with a positive predictive value of 95%. In summary, the available evidence is currently insufficient to determine the role of this variant in disease. Therefore, it has been classified as a Variant of Uncertain Significance.

CeGaT Center for Human Genetics Tuebingen
Classification: Uncertain significance. Last evaluated: 2022-07-01. Review status: criteria provided, single submitter. Criteria: CeGaT Center For Human Genetics Tuebingen Variant Classification Criteria Version 2. Collection method: clinical testing. Allele origin: germline. Affected: yes. Observed: 1 variant allele.
Comment: GABRB3: PM2, PP2, PP3

PreventionGenetics, part of Exact Sciences
Classification: Uncertain significance for GABRB3-related condition. Last evaluated: 2023-12-11. Review status: no assertion criteria provided. Collection method: clinical testing. Allele origin: germline. Not counted in ClinVar's aggregate classification.
Comment: The GABRB3 c.169G>C variant is predicted to result in the amino acid substitution p.Gly57Arg. To our knowledge, this variant has not been reported in the literature or in a large population database, indicating this variant is rare. Although we suspect that this variant may be pathogenic, at this time, the clinical significance of this variant is uncertain due to the absence of conclusive functional and genetic evidence.

NM_000814.6(GABRB3):c.169G>C (p.Gly57Arg)

Gene: GABRB3 (gamma-aminobutyric acid type A receptor subunit beta3; minus strand). Cytogenetic location: 15q12.
Variant type: single nucleotide variant.
Coding change: c.169G>C on transcript NM_000814.6 (MANE Select); coding-DNA position 169, G replaced by C.
Protein change: p.Gly57Arg; replaces glycine 57 with arginine.
Molecular consequence: missense variant. On other transcripts: 5 prime UTR variant (1).
Genome position (GRCh38, 1-based): chr15:26,772,684, C>G on the plus strand (G>C on the coding strand, the complement: GABRB3 is on the minus strand). VCF-style: chr15-26772684-C-G. GRCh37 (hg19) VCF-style: chr15-27017831-C-G.
Other names: c.169G>C (NM_000814.5); c.-183G>C (NM_001278631.2); c.169G>C, p.Gly57Arg (NM_021912.5); short protein forms G57R.
Identifiers: ClinVar variation 872114 (VCV000872114.45), dbSNP rs1891185775, ClinGen allele CA391465334.
Genomic context (GRCh38, chr15:26,772,684, plus strand): 5'-CAGGCCGCCGCCGCCGTGGGTCGCGCTTCCCGCAACGGCCGCGCGCAGCCCACTTACCCC[C>G]GAAGTCGGGTCTTAGGCGAATGTCGTAGCCTTTCAACAGCTTGTCCACCGTCTCCTTCAC-3'
Protein context (NP_000805.1, residues 47-67): GYDIRLRPDF[Gly57Arg]GPPVCVGMNI